The following is an entry in ClinVar:

ClinVar aggregate classification (germline): Uncertain significance (1 of 4 stars; one submission).

gnomAD v4.1: 14 of 1,612,350 alleles (0.00087%); highest among the groups gnomAD compares: Non-Finnish European, 0.0012%; no homozygotes.

Submission:

Labcorp Genetics (formerly Invitae), Labcorp
Classification: Uncertain significance. Last evaluated: 2026-01-26. Review status: criteria provided, single submitter. Criteria: Invitae Variant Classification Sherloc (09022015). Collection method: clinical testing. Allele origin: germline.
Comment: This sequence change replaces tyrosine, which is neutral and polar, with serine, which is neutral and polar, at codon 1023 of the A2ML1 protein (p.Tyr1023Ser). This variant is not present in population databases (gnomAD no frequency). This variant has not been reported in the literature in individuals affected with A2ML1-related conditions. An algorithm developed to predict the effect of missense changes on protein structure and function (PolyPhen-2) suggests that this variant is likely to be disruptive. In summary, the available evidence is currently insufficient to determine the role of this variant in disease. Therefore, it has been classified as a Variant of Uncertain Significance.

NM_144670.6(A2ML1):c.3068A>C (p.Tyr1023Ser)

Gene: A2ML1 (alpha-2-macroglobulin like 1; plus strand). Cytogenetic location: 12p13.31.
Variant type: single nucleotide variant.
Coding change: c.3068A>C on transcript NM_144670.6 (MANE Select); coding-DNA position 3068, A replaced by C.
Protein change: p.Tyr1023Ser; replaces tyrosine 1023 with serine.
Molecular consequence: missense variant.
Genome position (GRCh38, 1-based): chr12:8,857,549, A>C. VCF-style: chr12-8857549-A-C. GRCh37 (hg19) VCF-style: chr12-9010145-A-C.
Other names: c.1595A>C, p.Tyr532Ser (NM_001282424.3); short protein forms Y1023S, Y532S.
Identifiers: ClinVar variation 4762366 (VCV004762366.1).